The following is an entry in ClinVar:

ClinVar aggregate classification (germline): Uncertain significance. Review status: criteria provided, multiple submitters, no conflicts (2 of 4 stars). 3 submissions from 3 submitters: Uncertain significance (3). Last evaluated 2025-06-15.

Conditions:
RASopathy. Also called: rasopathies; Noonan spectrum disorder. Identifiers: Orphanet 536391, MedGen C5555857, MONDO:0021060.
MAP2K2-related disorder. Also called: MAP2K2-related condition.
Cardiovascular phenotype. Identifiers: MedGen CN230736.

Allele frequency attached by ClinVar (database versions not stated): TOPMed 0.00002.
gnomAD v4.1: 7 of 1,610,546 alleles (0.00043%); highest among the groups gnomAD compares: African/African-American, 0.0093%; no homozygotes.

Submissions (3):

Ambry Genetics
Classification: Uncertain significance for Cardiovascular phenotype. Last evaluated: 2025-06-15. Review status: criteria provided, single submitter. Criteria: Ambry Variant Classification Scheme 2023. Collection method: clinical testing. Allele origin: germline.
Comment: The p.H243D variant (also known as c.727C>G), located in coding exon 7 of the MAP2K2 gene, results from a C to G substitution at nucleotide position 727. The histidine at codon 243 is replaced by aspartic acid, an amino acid with similar properties. This amino acid position is conserved. In addition, the in silico prediction for this alteration is inconclusive. Based on the available evidence, the clinical significance of this variant remains unclear.

PreventionGenetics, part of Exact Sciences
Classification: Uncertain significance for MAP2K2-related condition. Last evaluated: 2024-10-18. Review status: criteria provided, single submitter. Criteria: ACMG Guidelines, 2015. Collection method: clinical testing. Allele origin: germline.
Comment: The MAP2K2 c.727C>G variant is predicted to result in the amino acid substitution p.His243Asp. To our knowledge, this variant has not been reported in the literature. This variant is reported in 0.013% of alleles in individuals of African descent in gnomAD. At this time, the clinical significance of this variant is uncertain due to the absence of conclusive functional and genetic evidence.

Labcorp Genetics (formerly Invitae), Labcorp
Classification: Uncertain significance for RASopathy. Last evaluated: 2024-03-11. Review status: criteria provided, single submitter. Criteria: Invitae Variant Classification Sherloc (09022015). Collection method: clinical testing. Allele origin: germline.
Comment: This sequence change replaces histidine, which is basic and polar, with aspartic acid, which is acidic and polar, at codon 243 of the MAP2K2 protein (p.His243Asp). This variant is present in population databases (no rsID available, gnomAD 0.01%). This variant has not been reported in the literature in individuals affected with MAP2K2-related conditions. Advanced modeling of protein sequence and biophysical properties (such as structural, functional, and spatial information, amino acid conservation, physicochemical variation, residue mobility, and thermodynamic stability) performed at Invitae indicates that this missense variant is not expected to disrupt MAP2K2 protein function with a negative predictive value of 95%. In summary, the available evidence is currently insufficient to determine the role of this variant in disease. Therefore, it has been classified as a Variant of Uncertain Significance.

NM_030662.4(MAP2K2):c.727C>G (p.His243Asp)

Gene: MAP2K2 (mitogen-activated protein kinase kinase 2; minus strand). Cytogenetic location: 19p13.3.
Variant type: single nucleotide variant.
Coding change: c.727C>G on transcript NM_030662.4 (MANE Select); coding-DNA position 727, C replaced by G.
Protein change: p.His243Asp; replaces histidine 243 with aspartic acid.
Molecular consequence: missense variant.
Genome position (GRCh38, 1-based): chr19:4,099,393, G>C on the plus strand (C>G on the coding strand, the complement: MAP2K2 is on the minus strand). VCF-style: chr19-4099393-G-C. GRCh37 (hg19) VCF-style: chr19-4099391-G-C.
Other names: short protein forms H243D.
Identifiers: ClinVar variation 2716942 (VCV002716942.5), dbSNP rs959612485, ClinGen allele CA304449328.